The following is an entry in ClinVar:

NM_206933.4(USH2A):c.4474G>T (p.Glu1492Ter)

Gene: USH2A (usherin; minus strand). Cytogenetic location: 1q41.
Variant type: single nucleotide variant.
Coding change: c.4474G>T on transcript NM_206933.4 (MANE Select); coding-DNA position 4474, G replaced by T.
Protein change: p.Glu1492Ter; replaces glutamic acid 1492 with a stop codon.
Molecular consequence: nonsense.
Genome position (GRCh38, 1-based): chr1:216,175,405, C>A on the plus strand (G>T on the coding strand, the complement: USH2A is on the minus strand). VCF-style: chr1-216175405-C-A. GRCh37 (hg19) VCF-style: chr1-216348747-C-A.
Other names: c.4474G>T, p.Glu1492Ter (NM_007123.6); short protein forms E1492*.
Identifiers: ClinVar variation 224745 (VCV000224745.11), dbSNP rs869312179, ClinGen allele CA354065.
Genomic context (GRCh38, chr1:216,175,405, plus strand): 5'-GAGCTGGTAGAGATGACTCTCTCCTTTCCAGCTGATATATAGGAGAGGGTCCATTCAGTT[C>A]TTCAGGTGGAAACCACCTAAGATGGATTGTTGTGCTGTTGATTCCTTTAACCAGAGGTGG-3'

ClinVar aggregate classification (germline): Pathogenic. Review status: criteria provided, multiple submitters, no conflicts (2 of 4 stars). 5 submissions from 5 submitters: Pathogenic (3). 2 of the submissions do not count toward it. Last evaluated 2024-06-11.

Conditions:
Usher syndrome type 2A. Also called: RETINAL DISEASE IN USHER SYNDROME TYPE IIA, MODIFIER OF; USHER SYNDROME, TYPE IIA. Identifiers: Orphanet 231178, Orphanet 886, MedGen C1848634, MONDO:0010169, OMIM 276901.
Retinitis pigmentosa 39 (RP39). Identifiers: Orphanet 791, MedGen C3151138, MONDO:0013436, OMIM 613809.

Allele frequency attached by ClinVar (database versions not stated): gnomAD exomes 0.00002.
gnomAD v4.1: 28 of 1,613,756 alleles (0.0017%); highest among the groups gnomAD compares: Non-Finnish European, 0.0024%; no homozygotes.

Submissions (5):

Labcorp Genetics (formerly Invitae), Labcorp
Classification: Pathogenic. Last evaluated: 2024-06-11. Review status: criteria provided, single submitter. Criteria: Invitae Variant Classification Sherloc (09022015). Collection method: clinical testing. Allele origin: germline.
Comment: This sequence change creates a premature translational stop signal (p.Glu1492*) in the USH2A gene. It is expected to result in an absent or disrupted protein product. Loss-of-function variants in USH2A are known to be pathogenic (PMID: 10729113, 10909849, 20507924, 25649381). This variant is not present in population databases (gnomAD no frequency). This premature translational stop signal has been observed in individual(s) with Usher syndrome (PMID: 16098008). ClinVar contains an entry for this variant (Variation ID: 224745). Algorithms developed to predict the effect of sequence changes on RNA splicing suggest that this variant may disrupt the consensus splice site. For these reasons, this variant has been classified as Pathogenic.

Natera, Inc.
Classification: Pathogenic for Usher syndrome type 2A. Last evaluated: 2024-05-29. Review status: criteria provided, single submitter. Criteria: Natera Variant Classification Schema (03/2026). Collection method: clinical testing. Allele origin: germline.
Comment: The c.4474G>T variant in USH2A is a nonsense variant predicted to introduce a stop codon at amino acid 1492. This variant is expected to result in nonsense mediated decay, truncation, or a dysfunctional protein product. This variant is rare in the general population with a frequency below the threshold expected for the associated phenotype(s). This variant has been observed in one or more individuals affected with the associated recessive disease, as either homozygous or compound heterozygous with a second variant (PMID: 22004887, 31998945, 16098008, 32176120). Additionally, this variant has been observed to segregate in affected family members (PMID: 16098008). Given the available evidence, this variant is classified as Pathogenic.

Baylor Genetics
Classification: Pathogenic for Retinitis pigmentosa 39. Last evaluated: 2024-01-10. Review status: criteria provided, single submitter. Criteria: ACMG Guidelines, 2015. Collection method: clinical testing. Allele origin: unknown.

Centre for Genomic Medicine, Manchester, Central Manchester University Hospitals
Classification: Pathogenic for Usher syndrome type 2A. Last evaluated: 2015-03-03. Review status: no assertion criteria provided. Collection method: clinical testing. Allele origin: germline. Affected: yes. Not counted in ClinVar's aggregate classification.

Genomics England Pilot Project, Genomics England
Classification: Pathogenic for Retinitis pigmentosa 39. Review status: no assertion criteria provided. Criteria: ACGS Guidelines, 2016. Collection method: clinical testing. Allele origin: germline. Affected: yes. Not counted in ClinVar's aggregate classification.

Literature cited by the submitters: PubMed 10729113 (cited by Labcorp Genetics (formerly Invitae), Labcorp); PubMed 10909849 (cited by Labcorp Genetics (formerly Invitae), Labcorp); PubMed 20507924 (cited by Labcorp Genetics (formerly Invitae), Labcorp); PubMed 25649381 (cited by Labcorp Genetics (formerly Invitae), Labcorp); PubMed 16098008 (cited by Labcorp Genetics (formerly Invitae), Labcorp and Natera, Inc.); PubMed 22004887 (cited by Natera, Inc.); PubMed 31998945 (cited by Natera, Inc.); PubMed 32176120 (cited by Natera, Inc.); PubMed 26872967 (cited by Centre for Genomic Medicine, Manchester, Central Manchester University Hospitals).